The following is an entry in ClinVar:

ClinVar aggregate classification (germline): Uncertain significance. Review status: criteria provided, single submitter (1 of 4 stars). 2 submissions from 2 submitters: Uncertain significance (1). 1 of the submissions does not count toward it. Last evaluated 2021-08-26.

Conditions:
Glycogen storage disease IV, classic hepatic. Also called: GSD IV, CLASSIC HEPATIC. Identifiers: MedGen C1856301.
Glycogen storage disease, type IV (GSD4). Also called: Glycogen storage disease due to glycogen branching enzyme deficiency; AMYLOPECTINOSIS; ANDERSEN DISEASE; BRANCHER DEFICIENCY; CIRRHOSIS, FAMILIAL, WITH DEPOSITION OF ABNORMAL GLYCOGEN; GBE1 DEFICIENCY. Identifiers: Orphanet 367, MedGen C0017923, MONDO:0009292, OMIM 232500.

Allele frequency attached by ClinVar (database versions not stated): TOPMed below 0.00001; gnomAD 0.00001; 1000 Genomes Project 30x 0.00016; 1000 Genomes Project 0.00020.
gnomAD v4.1: 3 of 1,554,992 alleles (0.00019%); highest among the groups gnomAD compares: African/African-American, 0.0028%; no homozygotes.

Submissions (2):

Labcorp Genetics (formerly Invitae), Labcorp
Classification: Uncertain significance for Glycogen storage disease, type IV; Glycogen storage disease IV, classic hepatic. Last evaluated: 2021-08-26. Review status: criteria provided, single submitter. Criteria: Invitae Variant Classification Sherloc (09022015). Collection method: clinical testing. Allele origin: germline.
Comment: This sequence change replaces leucine with phenylalanine at codon 549 of the GBE1 protein (p.Leu549Phe). The leucine residue is highly conserved and there is a small physicochemical difference between leucine and phenylalanine. This variant is not present in population databases (ExAC no frequency). This variant has not been reported in the literature in individuals affected with GBE1-related conditions. Algorithms developed to predict the effect of missense changes on protein structure and function are either unavailable or do not agree on the potential impact of this missense change (SIFT: "Deleterious"; PolyPhen-2: "Probably Damaging"; Align-GVGD: "Class C0"). In summary, the available evidence is currently insufficient to determine the role of this variant in disease. Therefore, it has been classified as a Variant of Uncertain Significance.

Natera, Inc.
Classification: Uncertain significance for Glycogen storage disease type IV. Last evaluated: 2020-09-02. Review status: no assertion criteria provided. Collection method: clinical testing. Allele origin: germline. Not counted in ClinVar's aggregate classification.

NM_000158.4(GBE1):c.1647A>C (p.Leu549Phe)

Gene: GBE1 (1,4-alpha-glucan branching enzyme 1; minus strand). Cytogenetic location: 3p12.2.
Variant type: single nucleotide variant.
Coding change: c.1647A>C on transcript NM_000158.4 (MANE Select); coding-DNA position 1647, A replaced by C.
Protein change: p.Leu549Phe; replaces leucine 549 with phenylalanine.
Molecular consequence: missense variant.
Genome position (GRCh38, 1-based): chr3:81,537,067, T>G on the plus strand (A>C on the coding strand, the complement: GBE1 is on the minus strand). VCF-style: chr3-81537067-T-G. GRCh37 (hg19) VCF-style: chr3-81586218-T-G.
Other names: short protein forms L549F.
Identifiers: ClinVar variation 581884 (VCV000581884.4), dbSNP rs544404712, ClinGen allele CA78280351.